The following continues an entry in ClinVar:

NM_001042492.3(NF1):c.3610C>G (p.Arg1204Gly)

Gene: NF1. ClinVar aggregate classification (germline): Pathogenic/Likely pathogenic. Pathogenic (11); Likely pathogenic (2).

Submissions 9 to 16 of 16:

Laboratorio de Genetica e Diagnostico Molecular, Hospital Israelita Albert Einstein
Classification: Pathogenic for Neurofibromatosis, type 1. Last evaluated: 2022-10-07. Review status: criteria provided, single submitter. Criteria: ACMG Guidelines, 2015. Collection method: clinical testing. Allele origin: germline. Affected: yes. Observed: 1 variant allele.
Comment: ACMG classification criteria: PS3 supporting, PS4 strong, PM2 supporting, PM5 moderated, PM6 moderated, PP2 supporting

Genome-Nilou Lab
Classification: Likely pathogenic for Neurofibromatosis, type 1. Last evaluated: 2022-03-15. Review status: criteria provided, single submitter. Criteria: ACMG Guidelines, 2015. Collection method: clinical testing. Allele origin: germline. Affected: no.

Genome Diagnostics Laboratory, The Hospital for Sick Children
Classification: Pathogenic for Neurofibromatosis, type 1. Last evaluated: 2020-10-26. Review status: criteria provided, single submitter. Criteria: ACMG Guidelines, 2015. Collection method: clinical testing. Allele origin: germline. Affected: yes.

Athena Diagnostics
Classification: Likely pathogenic. Last evaluated: 2020-09-22. Review status: criteria provided, single submitter. Criteria: Athena Diagnostics criteria. Collection method: clinical testing. Allele origin: unknown.
Comment: The frequency of this variant in the general population is consistent with pathogenicity. This variant has been identified in at least two individuals with clinical features associated with this gene, with one of those appearing to occur de novo. Assessment of experimental evidence suggests this variant results in abnormal protein function. Studies show a reduction in activity of the GAP-related domain of NF1 (PMID: 22807134, 26635368). Computational tools predict that this variant is damaging.

Clinical Molecular Genetics Laboratory, Johns Hopkins All Children's Hospital
Classification: Pathogenic for Neurofibromatosis, type 1. Last evaluated: 2019-04-25. Review status: criteria provided, single submitter. Criteria: ACMG Guidelines, 2015. Collection method: clinical testing. Allele origin: germline. Inheritance: Autosomal dominant inheritance. Affected: yes. Observed: 1 heterozygote.

Clinical Genetics DNA and cytogenetics Diagnostics Lab, Erasmus MC, Erasmus Medical Center
Classification: Pathogenic. Review status: no assertion criteria provided. Collection method: clinical testing. Allele origin: germline. Affected: yes. Study: VKGL Data-share Consensus. Not counted in ClinVar's aggregate classification.

Joint Genome Diagnostic Labs from Nijmegen and Maastricht, Radboudumc and MUMC+
Classification: Pathogenic. Review status: no assertion criteria provided. Collection method: clinical testing. Allele origin: germline. Affected: yes. Study: VKGL Data-share Consensus. Not counted in ClinVar's aggregate classification.

UniProtKB/Swiss-Prot
No classification provided. Review status: no classification provided. Collection method: not provided. Allele origin: not provided. Not counted in ClinVar's aggregate classification.

Literature cited by the submitters: PubMed 10336779 (cited by 4 submitters); PubMed 26635368 (cited by 3 submitters); PubMed 27322474 (cited by 3 submitters); PubMed 22807134 (cited by 4 submitters); PubMed 31370276 (cited by Variantyx, Inc. and New York Genome Center); PubMed 10607834 (cited by 3billion); PubMed 24803665 (cited by Athena Diagnostics).